The following is an entry in ClinVar:

ClinVar aggregate classification (germline): Likely benign. Review status: criteria provided, single submitter (1 of 4 stars). 2 submissions from 2 submitters: Likely benign (1). 1 of the submissions does not count toward it. Last evaluated 2025-12-21.

Conditions:
Charcot-Marie-Tooth disease dominant intermediate E. Also called: CHARCOT-MARIE-TOOTH NEUROPATHY WITH FOCAL SEGMENTAL GLOMERULONEPHRITIS. Identifiers: Orphanet 93114, MedGen C4302667, MONDO:0013758, OMIM 614455.
Focal segmental glomerulosclerosis 5 (FSGS5). Identifiers: Orphanet 656, MedGen C2750475, MONDO:0013191, OMIM 613237.
INF2-related disorder. Also called: INF2-related condition.

Allele frequency attached by ClinVar (database versions not stated): ExAC 0.00004; 1000 Genomes Project 30x 0.00031.
gnomAD v4.1: 7 of 1,560,226 alleles (0.00045%); highest among the groups gnomAD compares: Admixed American, 0.013%; no homozygotes.

Submissions (2):

Labcorp Genetics (formerly Invitae), Labcorp
Classification: Likely benign for Charcot-Marie-Tooth disease dominant intermediate E; Focal segmental glomerulosclerosis 5. Last evaluated: 2025-12-21. Review status: criteria provided, single submitter. Criteria: Invitae Variant Classification Sherloc (09022015). Collection method: clinical testing. Allele origin: germline.

PreventionGenetics, part of Exact Sciences
Classification: Likely benign for INF2-related condition. Last evaluated: 2022-09-06. Review status: no assertion criteria provided. Collection method: clinical testing. Allele origin: germline. Not counted in ClinVar's aggregate classification.
Comment: This variant is classified as likely benign based on ACMG/AMP sequence variant interpretation guidelines (Richards et al. 2015 PMID: 25741868, with internal and published modifications).

NM_022489.4(INF2):c.1188C>G (p.Pro396=)

Gene: INF2 (inverted formin 2; plus strand). Cytogenetic location: 14q32.33.
Variant type: single nucleotide variant.
Coding change: c.1188C>G on transcript NM_022489.4 (MANE Select); coding-DNA position 1188, C replaced by G.
Protein change: p.Pro396=; no amino-acid change (proline 396 retained).
Molecular consequence: synonymous variant.
Genome position (GRCh38, 1-based): chr14:104,707,455, C>G. VCF-style: chr14-104707455-C-G. GRCh37 (hg19) VCF-style: chr14-105173792-C-G.
Other names: c.1188C>G, p.Pro396= (NM_001031714.4); c.1188C>G (NM_022489.3).
Identifiers: ClinVar variation 1080200 (VCV001080200.11), dbSNP rs747696039, ClinGen allele CA7372523.